The following is an entry in ClinVar:

ClinVar aggregate classification (germline): Pathogenic (1 of 4 stars; one submission).

Submission:

GeneDx
Classification: Pathogenic. Last evaluated: 2019-01-30. Review status: criteria provided, single submitter. Criteria: GeneDx Variant Classification (06012015). Collection method: clinical testing. Allele origin: germline. Affected: yes.
Comment: The c.3702dupA pathogenic variant in the CHD2 gene causes a frameshift starting with codon Serine 1235, changes this amino acid to a Isoleucine residue and creates a premature Stop codon at position 7 of the new reading frame, denoted p.Ser1235IlefsX7. This pathogenic variant is predicted to cause loss of normal protein function either through protein truncation or nonsense-mediated mRNA decay. This variant is not observed in large population cohorts (Lek et al., 2016). Although this pathogenic variant has not been previously reported to our knowledge, its presence is consistent with the diagnosis of a CHD2-related disorder in this individual

NM_001271.4(CHD2):c.3702dup (p.Ser1235fs)

Gene: CHD2 (chromodomain helicase DNA binding protein 2; plus strand). Cytogenetic location: 15q26.1.
Variant type: Duplication.
Coding change: c.3702dup on transcript NM_001271.4 (MANE Select); coding-DNA position 3702, one base duplicated (A; older notation c.3702dupA).
Protein change: p.Ser1235fs; shifts the reading frame from serine 1235.
Molecular consequence: frameshift variant.
Genome position (GRCh38, 1-based): chr15:92,997,063, A duplicated; the last of 3 consecutive A bases (chr15:92,997,061-92,997,063); duplicating any one gives the same sequence. VCF-style (leftmost placement, unchanged base first): chr15-92997060-T-TA. GRCh37 (hg19) VCF-style: chr15-93540290-T-TA.
Other names: short protein forms S1235fs.
Identifiers: ClinVar variation 817391 (VCV000817391.1), dbSNP rs1596447015, ClinGen allele CA915946169.